The following is an entry in ClinVar:

ClinVar aggregate classification (germline): Likely pathogenic (1 of 4 stars; one submission).

Conditions:
Renal cysts and diabetes syndrome (RCAD). Also called: Familial hypoplastic, glomerulocystic kidney; MATURITY-ONSET DIABETES OF THE YOUNG, TYPE 5. Identifiers: Orphanet 93111, MedGen C0431693, MONDO:0007669, OMIM 137920.

Submission:

MVZ Medizinische Genetik Mainz
Classification: Likely pathogenic for Renal cysts and diabetes syndrome. Last evaluated: 2025-06-13. Review status: criteria provided, single submitter. Criteria: UK Practice Guidelines For Variant Classification V4 01 2020. Collection method: clinical testing. Allele origin: germline. Inheritance: Autosomal dominant inheritance. Affected: yes. Observed: 1 variant allele.
Comment: ACMG Criteria: PVS1,PM2_SUP

NM_000458.4(HNF1B):c.605del (p.Leu202fs)

Genes: HNF1B (HNF1 homeobox B; minus strand), LOC126862549 (BRD4-independent group 4 enhancer GRCh37_chr17:36093401-36094600; plus strand). Cytogenetic location: 17q12.
Variant type: Deletion.
Coding change: c.605del on transcript NM_000458.4 (MANE Select); coding-DNA position 605, one base deleted (T; older notation c.605delT).
Protein change: p.Leu202fs; shifts the reading frame from leucine 202.
Molecular consequence: frameshift variant. On other transcripts: intron variant (2).
Genome position (GRCh38, 1-based): chr17:37,733,761, A deleted on the plus strand (T on the coding strand, the reverse complement: HNF1B is on the minus strand). VCF-style (leftmost placement, unchanged base first): chr17-37733760-CA-C. GRCh37 (hg19) VCF-style: chr17-36093753-CA-C.
Other names: c.605del, p.Leu202fs (NM_001411100.1); c.545-18del (NM_001304286.2, NM_001165923.4); short protein forms L202fs.
Identifiers: ClinVar variation 3907669 (VCV003907669.1).
Genomic context (GRCh38, chr17:37,733,760, plus strand): 5'-GGCATCATCGGACTGCCCAGGCCCATGGCTCTGTTGACTGAACTCTGGAAAGAGAAACAG[CA>C]GCTGATCCTGACTGCTTTTGTCTGTCATATTTCCAGAACTCTGGACTGTCTGGTTGAATT-3'